The following is an entry in ClinVar:

NM_001165963.4(SCN1A):c.2299_2302dup (p.Pro768fs)

Gene: SCN1A (sodium voltage-gated channel alpha subunit 1; minus strand). Cytogenetic location: 2q24.3.
Variant type: Duplication.
Coding change: c.2299_2302dup on transcript NM_001165963.4 (MANE Select); coding-DNA positions 2299 to 2302, 4 bases duplicated (GACC; older notation c.2299_2302dupGACC).
Protein change: p.Pro768fs; shifts the reading frame from proline 768.
Molecular consequence: frameshift variant. On other transcripts: 5 prime UTR variant (1), non-coding transcript variant (1).
Genome position (GRCh38, 1-based): chr2:166,041,344-166,041,347, GGTC duplicated on the plus strand (GACC on the coding strand, the reverse complement: SCN1A is on the minus strand). VCF-style (leftmost placement, unchanged base first): chr2-166041343-G-GGGTC. GRCh37 (hg19) VCF-style: chr2-166897853-G-GGGTC.
Other names: c.2215_2218dup, p.Pro740fs (NM_001165964.3, NM_001353957.2, NM_001353958.2); c.2299_2302dup, p.Pro768fs (NM_001202435.3, NM_001353948.2); c.2266_2269dup, p.Pro757fs (NM_001353949.2, NM_001353950.2, NM_001353951.2 and 2 more transcripts); c.2263_2266dup, p.Pro756fs (NM_001353954.2, NM_001353955.2); c.2212_2215dup, p.Pro739fs (NM_001353960.2); c.-160_-157dup (NM_001353961.2); short protein forms P739fs, P757fs, P768fs, P740fs, P756fs.
Identifiers: ClinVar variation 189909 (VCV000189909.1), dbSNP rs794726750, ClinGen allele CA303280.

ClinVar aggregate classification (germline): Pathogenic (1 of 4 stars; one submission).

Conditions:
Severe myoclonic epilepsy in infancy (DRVT). Also called: Epileptic encephalopathy, early infantile, 6 (Dravet syndrome); SEVERE MYOCLONIC EPILEPSY OF INFANCY; DEVELOPMENTAL AND EPILEPTIC ENCEPHALOPATHY 6A; Severe Myoclonic Epilepsy in Infancy (SMEI); Dravet syndrome. Identifiers: Orphanet 33069, MedGen C0751122, MONDO:0100135, OMIM 607208.

Submission:

Center for Bioinformatics, Peking University
Classification: Pathogenic for Dravet syndrome. Last evaluated: 2014-12-20. Review status: criteria provided, single submitter. Criteria: Xu et al. (Hum Mutat. 2015). Collection method: research. Allele origin: de novo. Affected: yes. Observed: 1 variant allele. Study: University Clinical Cooperation “985 Project” PKU-2014-1-1.
Comment: Dravet syndrome (DS) probands were recruited from the outpatient and inpatient child neurology units of Peking University First Hospital from 2005 till present. The study was approved by the Ethics Committee of Peking University First Hospital and the Institutional Review Board at Peking University. Participants or their parents provided written informed consent before enrollment. We collected a total of 267 mutations from 255 families with probands diagnosed with DS in China. All probands fulfilled the clinical diagnostic criteria.